The following is an entry in ClinVar:

ClinVar aggregate classification (germline): Pathogenic. Review status: criteria provided, multiple submitters, no conflicts (2 of 4 stars). 4 submissions from 4 submitters: Pathogenic (3). 1 of the submissions does not count toward it. Last evaluated 2024-02-04.

Conditions:
Mucopolysaccharidosis, MPS-III-B (MPS3B). Also called: SANFILIPPO SYNDROME B; MPS III B; MUCOPOLYSACCHARIDOSIS, TYPE IIIB; Mucopolysaccharidosis type IIIB (Sanfilippo B); MPS IIIB (Sanfilippo Syndrome Type B); N-ACETYL-ALPHA-D-GLUCOSAMINIDASE DEFICIENCY. Identifiers: Orphanet 79270, MedGen C0086648, MONDO:0009656, OMIM 252920.
Charcot-Marie-Tooth disease axonal type 2V. Also called: CHARCOT-MARIE-TOOTH NEUROPATHY, TYPE 2V; CHARCOT-MARIE-TOOTH DISEASE, AXONAL, AUTOSOMAL DOMINANT, TYPE 2V. Identifiers: Orphanet 447964, MedGen C5569050, MONDO:0014665, OMIM 616491.

gnomAD v4.1: 4 of 1,606,958 alleles (0.00025%); highest among the groups gnomAD compares: Non-Finnish European, 0.00034%; no homozygotes.

Submissions (4):

Labcorp Genetics (formerly Invitae), Labcorp
Classification: Pathogenic for Charcot-Marie-Tooth disease axonal type 2V; Mucopolysaccharidosis, MPS-III-B. Last evaluated: 2024-02-04. Review status: criteria provided, single submitter. Criteria: Invitae Variant Classification Sherloc (09022015). Collection method: clinical testing. Allele origin: germline.
Comment: This sequence change creates a premature translational stop signal (p.Glu639*) in the NAGLU gene. While this is not anticipated to result in nonsense mediated decay, it is expected to disrupt the last 105 amino acid(s) of the NAGLU protein. This variant is not present in population databases (gnomAD no frequency). This premature translational stop signal has been observed in individual(s) with mucopolysaccharidosis type III (PMID: 16151907, 35848209). ClinVar contains an entry for this variant (Variation ID: 522822). This variant disrupts a region of the NAGLU protein in which other variant(s) (p.Gln706*) have been determined to be pathogenic (PMID: 9443875, 29661560; Invitae). This suggests that this is a clinically significant region of the protein, and that variants that disrupt it are likely to be disease-causing. For these reasons, this variant has been classified as Pathogenic.

Revvity Omics, Revvity
Classification: Pathogenic. Last evaluated: 2019-05-14. Review status: criteria provided, single submitter. Criteria: ACMG Guidelines, 2015. Collection method: clinical testing. Allele origin: germline.

Undiagnosed Diseases Network, NIH
Classification: Pathogenic for Mucopolysaccharidosis, MPS-III-B. Last evaluated: 2017-02-09. Review status: criteria provided, single submitter. Criteria: ACMG Guidelines, 2015. Collection method: clinical testing. Allele origin: maternal. Inheritance: Autosomal recessive inheritance. Affected: yes. Observed: 1 variant allele, 1 compound heterozygote. Study: Undiagnosed Diseases Network (NIH), UDN.

Counsyl
Classification: Likely pathogenic for Mucopolysaccharidosis, MPS-III-B. Last evaluated: 2017-10-23. Review status: no assertion criteria provided. Collection method: clinical testing. Allele origin: unknown. Not counted in ClinVar's aggregate classification.

Literature cited by the submitters: PubMed 16151907 (cited by Labcorp Genetics (formerly Invitae), Labcorp and Counsyl); PubMed 35848209 (cited by Labcorp Genetics (formerly Invitae), Labcorp); PubMed 9443875 (cited by Labcorp Genetics (formerly Invitae), Labcorp); PubMed 29661560 (cited by Labcorp Genetics (formerly Invitae), Labcorp).

NM_000263.4(NAGLU):c.1915G>T (p.Glu639Ter)

Gene: NAGLU (N-acetyl-alpha-glucosaminidase; plus strand). Cytogenetic location: 17q21.2.
Variant type: single nucleotide variant.
Coding change: c.1915G>T on transcript NM_000263.4 (MANE Select); coding-DNA position 1915, G replaced by T.
Protein change: p.Glu639Ter; replaces glutamic acid 639 with a stop codon.
Molecular consequence: nonsense.
Genome position (GRCh38, 1-based): chr17:42,543,921, G>T. VCF-style: chr17-42543921-G-T. GRCh37 (hg19) VCF-style: chr17-40695939-G-T.
Other names: short protein forms E639*.
Identifiers: ClinVar variation 522822 (VCV000522822.10), dbSNP rs555145190, ClinGen allele CA399605457.
Genomic context (GRCh38, chr17:42,543,921, plus strand): 5'-GGCAGCTGGCTAGAGCAGGCCCGAGCAGCGGCAGTCAGTGAGGCCGAGGCCGATTTCTAC[G>T]AGCAGAACAGCCGCTACCAGCTGACCTTGTGGGGGCCAGAAGGCAACATCCTGGACTATG-3'